The following is an entry in ClinVar:

NM_003803.4(MYOM1):c.2630G>A (p.Ser877Asn)

Gene: MYOM1 (myomesin 1; minus strand). Cytogenetic location: 18p11.31.
Variant type: single nucleotide variant.
Coding change: c.2630G>A on transcript NM_003803.4 (MANE Select); coding-DNA position 2630, G replaced by A.
Protein change: p.Ser877Asn; replaces serine 877 with asparagine.
Molecular consequence: missense variant. On other transcripts: intron variant (1).
Genome position (GRCh38, 1-based): chr18:3,129,396, C>T on the plus strand (G>A on the coding strand, the complement: MYOM1 is on the minus strand). VCF-style: chr18-3129396-C-T. GRCh37 (hg19) VCF-style: chr18-3129394-C-T.
Other names: c.2506+1979G>A (NM_019856.2); short protein forms S877N.
Identifiers: ClinVar variation 3344272 (VCV003344272.1).

ClinVar aggregate classification (germline): Uncertain significance (0 of 4 stars; one submission).

Conditions:
MYOM1-related disorder.

gnomAD v4.1: 1 of 1,613,984 alleles (0.000062%); highest among the groups gnomAD compares: Non-Finnish European, 0.000085%; no homozygotes.

Submission:

PreventionGenetics, part of Exact Sciences
Classification: Uncertain significance for MYOM1-related condition. Last evaluated: 2024-08-06. Review status: no assertion criteria provided. Collection method: clinical testing. Allele origin: germline.
Comment: The MYOM1 c.2630G>A variant is predicted to result in the amino acid substitution p.Ser877Asn. To our knowledge, this variant has not been reported in the literature or in gnomAD, indicating this variant is rare. At this time, the clinical significance of this variant is uncertain due to the absence of conclusive functional and genetic evidence.